The following is an entry in ClinVar:

NM_005068.3(SIM1):c.1298C>A (p.Ser433Ter)

Genes: SIM1 (SIM bHLH transcription factor 1; minus strand), SIM1-AS1 (SIM1 antisense RNA 1; plus strand). Cytogenetic location: 6q16.3.
Variant type: single nucleotide variant.
Coding change: c.1298C>A on transcript NM_005068.3 (MANE Select); coding-DNA position 1298, C replaced by A.
Protein change: p.Ser433Ter; replaces serine 433 with a stop codon.
Molecular consequence: nonsense.
Genome position (GRCh38, 1-based): chr6:100,393,759, G>T on the plus strand (C>A on the coding strand, the complement: SIM1 is on the minus strand). VCF-style: chr6-100393759-G-T. GRCh37 (hg19) VCF-style: chr6-100841635-G-T.
Other names: c.1298C>A, p.Ser433Ter (NM_001374769.1); short protein forms S433*.
Identifiers: ClinVar variation 373292 (VCV000373292.3), dbSNP rs1057518333, ClinGen allele CA16042527.

ClinVar aggregate classification (germline): Likely pathogenic (1 of 4 stars; one submission).

Conditions:
Brachydactyly. Also called: Brachydactyly (disease); Brachydactyly syndrome. Identifiers: MedGen C0221357, MONDO:0021004, HP:0001156.

Submission:

GeneDx
Classification: Likely pathogenic. Last evaluated: 2016-11-28. Review status: criteria provided, single submitter. Criteria: GeneDx Variant Classification (06012015). Collection method: clinical testing. Allele origin: germline. Affected: yes.
Comment: The S433X variant in the SIM1 gene has not been reported previously as a pathogenic variant nor as a benign variant, to our knowledge. This variant is predicted to cause loss of normal protein function either through protein truncation or nonsense-mediated mRNA decay. The S433X variant was not observed in approximately 6500 individuals of European and African American ancestry in the NHLBI Exome Sequencing Project, indicating it is not a common benign variant in these populations. The S433X variant is a strong candidate for a pathogenic variant, however, the possibility it may be a rare benign variant cannot be excluded.